The following is an entry in ClinVar:

NM_000293.3(PHKB):c.2791G>A (p.Asp931Asn)

Gene: PHKB (phosphorylase kinase regulatory subunit beta; plus strand). Cytogenetic location: 16q12.1.
Variant type: single nucleotide variant.
Coding change: c.2791G>A on transcript NM_000293.3 (MANE Select); coding-DNA position 2791, G replaced by A.
Protein change: p.Asp931Asn; replaces aspartic acid 931 with asparagine.
Molecular consequence: missense variant.
Genome position (GRCh38, 1-based): chr16:47,693,403, G>A. VCF-style: chr16-47693403-G-A. GRCh37 (hg19) VCF-style: chr16-47727314-G-A.
Other names: c.2770G>A, p.Asp924Asn (NM_001031835.3); c.2791G>A, p.Asp931Asn (NM_001363837.1); short protein forms D924N, D931N.
Identifiers: ClinVar variation 940765 (VCV000940765.3), dbSNP rs373243537, ClinGen allele CA8041337.

ClinVar aggregate classification (germline): Uncertain significance (1 of 4 stars; one submission).

Conditions:
Glycogen storage disease IXb (GSD9B). Also called: GLYCOGENOSIS OF LIVER AND MUSCLE, AUTOSOMAL RECESSIVE; GSD IXb; PHOSPHORYLASE KINASE DEFICIENCY OF LIVER AND MUSCLE, AUTOSOMAL RECESSIVE. Identifiers: Orphanet 79240, MedGen C0543514, MONDO:0009868, OMIM 261750.

Allele frequency attached by ClinVar (database versions not stated): TOPMed 0.00002.
gnomAD v4.1: 32 of 1,613,820 alleles (0.002%); highest among the groups gnomAD compares: East Asian, 0.0045%; no homozygotes.

Submission:

Labcorp Genetics (formerly Invitae), Labcorp
Classification: Uncertain significance for Glycogen storage disease IXb. Last evaluated: 2021-08-31. Review status: criteria provided, single submitter. Criteria: Invitae Variant Classification Sherloc (09022015). Collection method: clinical testing. Allele origin: germline.
Comment: This sequence change replaces aspartic acid with asparagine at codon 931 of the PHKB protein (p.Asp931Asn). The aspartic acid residue is highly conserved and there is a small physicochemical difference between aspartic acid and asparagine. This variant is present in population databases (rs373243537, ExAC 0.01%). This variant has not been reported in the literature in individuals affected with PHKB-related conditions. Algorithms developed to predict the effect of missense changes on protein structure and function output the following: SIFT: "Tolerated"; PolyPhen-2: "Benign"; Align-GVGD: "Class C0". The asparagine amino acid residue is found in multiple mammalian species, which suggests that this missense change does not adversely affect protein function. In summary, the available evidence is currently insufficient to determine the role of this variant in disease. Therefore, it has been classified as a Variant of Uncertain Significance.